The following is an entry in ClinVar:

NM_130466.4(UBE3B):c.3175A>G (p.Ile1059Val)

Gene: UBE3B (ubiquitin protein ligase E3B; plus strand). Cytogenetic location: 12q24.11.
Variant type: single nucleotide variant.
Coding change: c.3175A>G on transcript NM_130466.4 (MANE Select); coding-DNA position 3175, A replaced by G.
Protein change: p.Ile1059Val; replaces isoleucine 1059 with valine.
Molecular consequence: missense variant.
Genome position (GRCh38, 1-based): chr12:109,534,750, A>G. VCF-style: chr12-109534750-A-G. GRCh37 (hg19) VCF-style: chr12-109972555-A-G.
Other names: c.3175A>G, p.Ile1059Val (NM_183415.3); short protein forms I1059V.
Identifiers: ClinVar variation 2178012 (VCV002178012.4), dbSNP rs374191030, ClinGen allele CA6778493.

ClinVar aggregate classification (germline): Uncertain significance (1 of 4 stars; one submission).

Allele frequency attached by ClinVar (database versions not stated): ExAC 0.00001; gnomAD exomes 0.00001; TOPMed 0.00004; gnomAD 0.00005; ESP Exome Variant Server 0.00008.
gnomAD v4.1: 18 of 1,580,234 alleles (0.0011%); highest among the groups gnomAD compares: Non-Finnish European, 0.0015%; no homozygotes.

Submission:

Labcorp Genetics (formerly Invitae), Labcorp
Classification: Uncertain significance. Last evaluated: 2024-10-25. Review status: criteria provided, single submitter. Criteria: Invitae Variant Classification Sherloc (09022015). Collection method: clinical testing. Allele origin: germline.
Comment: This sequence change replaces isoleucine, which is neutral and non-polar, with valine, which is neutral and non-polar, at codon 1059 of the UBE3B protein (p.Ile1059Val). This variant is present in population databases (rs374191030, gnomAD 0.003%). This variant has not been reported in the literature in individuals affected with UBE3B-related conditions. ClinVar contains an entry for this variant (Variation ID: 2178012). Invitae Evidence Modeling of protein sequence and biophysical properties (such as structural, functional, and spatial information, amino acid conservation, physicochemical variation, residue mobility, and thermodynamic stability) indicates that this missense variant is not expected to disrupt UBE3B protein function with a negative predictive value of 80%. In summary, the available evidence is currently insufficient to determine the role of this variant in disease. Therefore, it has been classified as a Variant of Uncertain Significance.